The following is an entry in ClinVar:

NM_004369.4(COL6A3):c.4121A>T (p.Asp1374Val)

Gene: COL6A3 (collagen type VI alpha 3 chain; minus strand). Cytogenetic location: 2q37.3.
Variant type: single nucleotide variant.
Coding change: c.4121A>T on transcript NM_004369.4 (MANE Select); coding-DNA position 4121, A replaced by T.
Protein change: p.Asp1374Val; replaces aspartic acid 1374 with valine.
Molecular consequence: missense variant.
Genome position (GRCh38, 1-based): chr2:237,371,896, T>A on the plus strand (A>T on the coding strand, the complement: COL6A3 is on the minus strand). VCF-style: chr2-237371896-T-A. GRCh37 (hg19) VCF-style: chr2-238280539-T-A.
Other names: c.2900A>T, p.Asp967Val (NM_057164.5); c.3503A>T, p.Asp1168Val (NM_057165.5, NM_057167.4); c.2300A>T, p.Asp767Val (NM_057166.5); short protein forms D1374V, D967V, D1168V, D767V.
Identifiers: ClinVar variation 286160 (VCV000286160.20), dbSNP rs766488017, ClinGen allele CA2188989.

ClinVar aggregate classification (germline): Conflicting classifications of pathogenicity. Review status: criteria provided, conflicting classifications (1 of 4 stars). 6 submissions from 6 submitters: Likely pathogenic (1); Uncertain significance (4); Likely benign (1). Last evaluated 2025-11-05.

Conditions:
Ullrich congenital muscular dystrophy 1A. Also called: Intermediate COL6-RD; Ullrich congenital muscular dystrophy 1. Identifiers: Orphanet 75840, MedGen C0410179, MONDO:0009681, OMIM 254090.
Bethlem myopathy 1A. Also called: Bethlem Muscular Dystrophy; MYOPATHY, BENIGN CONGENITAL, WITH CONTRACTURES; Bethlem myopathy 1. Identifiers: Orphanet 610, MedGen CN029274, MONDO:0024530, OMIM 158810.

Allele frequency attached by ClinVar (database versions not stated): gnomAD 0.00004 and 0.00005; TOPMed 0.00007; gnomAD exomes 0.00008 and 0.00010; ExAC 0.00010.

Submissions (6):

Labcorp Genetics (formerly Invitae), Labcorp
Classification: Likely benign for Bethlem myopathy 1A. Last evaluated: 2025-11-05. Review status: criteria provided, single submitter. Criteria: Invitae Variant Classification Sherloc (09022015). Collection method: clinical testing. Allele origin: germline.

Revvity Omics, Revvity
Classification: Uncertain significance. Last evaluated: 2019-12-09. Review status: criteria provided, single submitter. Criteria: ACMG Guidelines, 2015. Collection method: clinical testing. Allele origin: germline.

GeneDx
Classification: Uncertain significance. Last evaluated: 2019-11-01. Review status: criteria provided, single submitter. Criteria: GeneDx Variant Classification Process June 2021. Collection method: clinical testing. Allele origin: germline. Affected: yes.
Comment: In silico analysis, which includes protein predictors and evolutionary conservation, supports a deleterious effect; Identified in heterozygous state in an individual with isolated dystonia (Zech et al., 2015); also reported in an individual with clinically suspected LGMD (Nallamilli et al., 2018); This variant is associated with the following publications: (PMID: 30564623, 26004199)

Genomic Research Center, Shahid Beheshti University of Medical Sciences
Classification: Likely pathogenic for Bethlem myopathy 1A. Last evaluated: 2017-12-03. Review status: criteria provided, single submitter. Criteria: ACMG Guidelines, 2015. Collection method: clinical testing. Allele origin: inherited.

Eurofins Ntd Llc (ga)
Classification: Uncertain significance. Last evaluated: 2016-02-12. Review status: criteria provided, single submitter. Criteria: EGL Classification Definitions 2015. Collection method: clinical testing. Allele origin: germline. Observed: 1 variant allele, 1 heterozygote.

Neuberg Centre For Genomic Medicine, NCGM
Classification: Uncertain significance for Ullrich congenital muscular dystrophy 1A. Review status: criteria provided, single submitter. Criteria: ACMG Guidelines, 2015. Collection method: clinical testing. Allele origin: germline. Inheritance: Autosomal dominant inheritance. Affected: yes.
Comment: The missense variant c.4121A>T (p.Asp1374Val) in COL6A3 gene has been reported in heterozygous state in individual affected with limb-girdle muscular dystrophy (Nallamilli et al.,2018). This variant is reported with the allele frequency (0.01%) in the gnomAD and novel in 1000 genome database. It has been submitted to ClinVar with varying interpretations: Likely Pathogenic / Uncertain Significance. The amino acid Aspartic acid at position 1374 is changed to a Valine changing protein sequence and it might alter its composition and physico-chemical properties. The variant is predicted as conserved by GERP++ and PhyloP across 100 vertebrates. For these reasons, this variant has been classified as Uncertain Significance.